The following is an entry in ClinVar:

ClinVar aggregate classification (germline): Likely benign. Review status: criteria provided, multiple submitters, no conflicts (2 of 4 stars). 4 submissions from 4 submitters: Likely benign (4). Last evaluated 2025-11-06.

Conditions:
Cardiovascular phenotype. Identifiers: MedGen CN230736.
Catecholaminergic polymorphic ventricular tachycardia 1. Also called: VENTRICULAR TACHYCARDIA, CATECHOLAMINERGIC POLYMORPHIC, 1, WITH OR WITHOUT ATRIAL DYSFUNCTION AND/OR DILATED CARDIOMYOPATHY; VENTRICULAR TACHYCARDIA, STRESS-INDUCED POLYMORPHIC 1; RYR2-Related Catecholaminergic Polymorphic Ventricular Tachycardia. Identifiers: Orphanet 3286, MedGen C1631597, MONDO:0011484, OMIM 604772.

Allele frequency attached by ClinVar (database versions not stated): ExAC 0.00002; TOPMed 0.00003.
gnomAD v4.1: 15 of 1,613,870 alleles (0.00093%); highest among the groups gnomAD compares: African/African-American, 0.0053%; no homozygotes.

Submissions (4):

Labcorp Genetics (formerly Invitae), Labcorp
Classification: Likely benign for Catecholaminergic polymorphic ventricular tachycardia 1. Last evaluated: 2025-11-06. Review status: criteria provided, single submitter. Criteria: Invitae Variant Classification Sherloc (09022015). Collection method: clinical testing. Allele origin: germline.

Blueprint Genetics
Classification: Likely benign. Last evaluated: 2023-08-01. Review status: criteria provided, single submitter. Criteria: ACMG Guidelines, 2015. Collection method: clinical testing. Allele origin: germline.

Ambry Genetics
Classification: Likely benign for Cardiovascular phenotype. Last evaluated: 2019-12-09. Review status: criteria provided, single submitter. Criteria: Ambry Variant Classification Scheme 2023. Collection method: clinical testing. Allele origin: germline.

Laboratory for Molecular Medicine, Mass General Brigham Personalized Medicine
Classification: Likely benign. Last evaluated: 2013-01-11. Review status: criteria provided, single submitter. Criteria: LMM Criteria. Collection method: clinical testing. Allele origin: germline. Observed: 1 variant allele.
Comment: Thr1730Thr in exon 37 of RYR2: This variant is not expected to have clinical sig nificance because it does not alter an amino acid residue and is not located wit hin the splice consensus sequence. Thr1730Thr in exon 37 of RYR2 (allele frequ ency = n/a)

NM_001035.3(RYR2):c.5190G>A (p.Thr1730=)

Gene: RYR2 (ryanodine receptor 2; plus strand). Cytogenetic location: 1q43.
Variant type: single nucleotide variant.
Coding change: c.5190G>A on transcript NM_001035.3 (MANE Select); coding-DNA position 5190, G replaced by A.
Protein change: p.Thr1730=; no amino-acid change (threonine 1730 retained).
Molecular consequence: synonymous variant.
Genome position (GRCh38, 1-based): chr1:237,614,318, G>A. VCF-style: chr1-237614318-G-A. GRCh37 (hg19) VCF-style: chr1-237777618-G-A.
Identifiers: ClinVar variation 43803 (VCV000043803.18), dbSNP rs397516541, ClinGen allele CA009808.
Genomic context (GRCh38, chr1:237,614,318, plus strand): 5'-CCTGAGCTCCTATGCCACTGCCAGGCTCATGATGAACAACGAGTACATTGTCCCCATGAC[G>A]GAGGAGACGAAGAGCATCACCCTGTTCCCTGATGAGAACAAAAAACACGGCCTTCCAGGG-3'
Protein context (NP_001026.2, residues 1720-1740): MMNNEYIVPM[Thr1730=]EETKSITLFP